The following is an entry in ClinVar:

ClinVar aggregate classification (germline): Uncertain significance (1 of 4 stars; one submission).

Submission:

GeneDx
Classification: Uncertain significance. Last evaluated: 2026-02-12. Review status: criteria provided, single submitter. Criteria: GeneDx Variant Classification Process June 2021. Collection method: clinical testing. Allele origin: germline.
Comment: Not observed at significant frequency in large population cohorts (gnomAD); In silico analysis supports that this missense variant has a deleterious effect on protein structure/function; Has not been previously published as pathogenic or benign to our knowledge

NM_000384.3(APOB):c.116G>A (p.Cys39Tyr)

Genes: APOB (apolipoprotein B; minus strand), LOC106560211 (APOB 5' regulatory region; plus strand). Cytogenetic location: 2p24.1.
Variant type: single nucleotide variant.
Coding change: c.116G>A on transcript NM_000384.3 (MANE Select); coding-DNA position 116, G replaced by A.
Protein change: p.Cys39Tyr; replaces cysteine 39 with tyrosine.
Molecular consequence: missense variant.
Genome position (GRCh38, 1-based): chr2:21,043,518, C>T on the plus strand (G>A on the coding strand, the complement: APOB is on the minus strand). VCF-style: chr2-21043518-C-T. GRCh37 (hg19) VCF-style: chr2-21266390-C-T.
Other names: short protein forms C39Y.
Identifiers: ClinVar variation 5008903 (VCV005008903.1).